The following is an entry in ClinVar:

NM_005475.3(SH2B3):c.1643A>C (p.Asn548Thr)

Gene: SH2B3 (SH2B adaptor protein 3; plus strand). Cytogenetic location: 12q24.12.
Variant type: single nucleotide variant.
Coding change: c.1643A>C on transcript NM_005475.3 (MANE Select); coding-DNA position 1643, A replaced by C.
Protein change: p.Asn548Thr; replaces asparagine 548 with threonine.
Molecular consequence: missense variant.
Genome position (GRCh38, 1-based): chr12:111,448,217, A>C. VCF-style: chr12-111448217-A-C. GRCh37 (hg19) VCF-style: chr12-111886021-A-C.
Other names: c.1037A>C, p.Asn346Thr (NM_001291424.1); short protein forms N346T, N548T.
Identifiers: ClinVar variation 3440814 (VCV003440814.1).

ClinVar aggregate classification (germline): Uncertain significance (1 of 4 stars; one submission).

Conditions:
Inborn genetic diseases. Identifiers: MedGen C0950123, MeSH D030342.

Submission:

Ambry Genetics
Classification: Uncertain significance for Inborn genetic diseases. Last evaluated: 2024-11-30. Review status: criteria provided, single submitter. Criteria: Ambry Variant Classification Scheme 2023. Collection method: clinical testing. Allele origin: germline.
Comment: The p.N548T variant (also known as c.1643A>C), located in coding exon 7 of the SH2B3 gene, results from an A to C substitution at nucleotide position 1643. The asparagine at codon 548 is replaced by threonine, an amino acid with similar properties. This amino acid position is conserved. In addition, this alteration is predicted to be tolerated by in silico analysis. Based on the available evidence, the clinical significance of this variant remains unclear.